The following is an entry in ClinVar:

NM_001130144.3(LTBP3):c.3244+9C>T

Genes: LTBP3 (latent transforming growth factor beta binding protein 3; minus strand), LOC121832793 (Sharpr-MPRA regulatory region 4001; plus strand). Cytogenetic location: 11q13.1.
Variant type: single nucleotide variant.
Coding change: c.3244+9C>T on transcript NM_001130144.3 (MANE Select); 9 bases into the intron after coding-DNA position 3244, C replaced by T.
Molecular consequence: intron variant.
Genome position (GRCh38, 1-based): chr11:65,540,236, G>A on the plus strand (C>T on the coding strand, the complement: LTBP3 is on the minus strand). VCF-style: chr11-65540236-G-A. GRCh37 (hg19) VCF-style: chr11-65307707-G-A.
Other names: c.2893+9C>T (NM_001164266.1); c.3244+9C>T (NM_021070.4).
Identifiers: ClinVar variation 4977135 (VCV004977135.1).

ClinVar aggregate classification (germline): Likely benign (1 of 4 stars; one submission).

Conditions:
LTBP3-related disorder. Also called: LTBP3-related condition.

Submission:

PreventionGenetics, part of Exact Sciences
Classification: Likely benign for LTBP3-related condition. Last evaluated: 2025-02-25. Review status: criteria provided, single submitter. Criteria: ACMG Guidelines, 2015. Collection method: clinical testing. Allele origin: germline.
Comment: This variant is classified as likely benign based on ACMG/AMP sequence variant interpretation guidelines (Richards et al. 2015 PMID: 25741868, with internal and published modifications).